The following is an entry in ClinVar:

ClinVar aggregate classification (germline): Benign. Review status: criteria provided, multiple submitters, no conflicts (2 of 4 stars). 10 submissions from 9 submitters: Benign (9). 1 of the submissions does not count toward it. Last evaluated 2026-02-04.

Conditions:
Charcot-Marie-Tooth disease. Also called: Charcot-Marie-Tooth Neuropathy; Charcot-Marie-Tooth Hereditary Neuropathy. Identifiers: Orphanet 166, MedGen C0007959, MONDO:0015626.
Spondyloepimetaphyseal dysplasia, Bieganski type. Also called: SEMD X-linked with mental deterioration; Leukoencephalopathy with metaphyseal chondrodysplasia; Spondyloepimetaphyseal dysplasia, X-linked, with hypomyelinating leukodystrophy. Identifiers: Orphanet 168448, Orphanet 83629, MedGen C1846148, MONDO:0010275, OMIM 300232.
Charcot-Marie-Tooth Neuropathy X. Identifiers: MedGen CN118851.
Combined oxidative phosphorylation deficiency. Identifiers: MedGen C4540031, MONDO:0000732.
Deafness, X-linked 5 (DFNX5). Also called: AUDITORY NEUROPATHY, X-LINKED, 1, WITH PERIPHERAL SENSORY NEUROPATHY; DEAFNESS, X-LINKED 5, WITH PERIPHERAL NEUROPATHY. Identifiers: Orphanet 139583, MedGen C1845095, OMIM 300614.
Severe X-linked mitochondrial encephalomyopathy. Also called: ENCEPHALOMYOPATHY, MITOCHONDRIAL, X-LINKED. Identifiers: Orphanet 238329, MedGen C3151753, MONDO:0010437, OMIM 300816.

Allele frequency attached by ClinVar (database versions not stated): gnomAD exomes 0.41520 and 0.43142; ExAC 0.43294; 1000 Genomes Project 0.49113; gnomAD 0.49563 and 0.50355; 1000 Genomes Project 30x 0.50302; TOPMed 0.50464; ESP Exome Variant Server 0.50980.
gnomAD v4.1: 511,013 of 1,206,323 alleles (42%); highest among the groups gnomAD compares: African/African-American, 72%; 76,472 homozygotes.

Submissions (10):

Labcorp Genetics (formerly Invitae), Labcorp
Classification: Benign for Charcot-Marie-Tooth Neuropathy X; Combined oxidative phosphorylation deficiency. Last evaluated: 2026-02-04. Review status: criteria provided, single submitter. Criteria: Invitae Variant Classification Sherloc (09022015). Collection method: clinical testing. Allele origin: germline.

Blueprint Genetics
Classification: Benign. Last evaluated: 2024-11-28. Review status: criteria provided, single submitter. Criteria: ACMG Guidelines, 2015. Collection method: clinical testing. Allele origin: germline.

Genome-Nilou Lab
Classification: Benign for Severe X-linked mitochondrial encephalomyopathy. Last evaluated: 2021-07-14. Review status: criteria provided, single submitter. Criteria: ACMG Guidelines, 2015. Collection method: clinical testing. Allele origin: germline. Affected: no.

Genome-Nilou Lab
Classification: Benign for Spondyloepimetaphyseal dysplasia, Bieganski type. Last evaluated: 2021-07-14. Review status: criteria provided, single submitter. Criteria: ACMG Guidelines, 2015. Collection method: clinical testing. Allele origin: germline. Affected: no.

Mendelics
Classification: Benign for Deafness, X-linked 5. Last evaluated: 2019-05-28. Review status: criteria provided, single submitter. Criteria: Mendelics Assertion Criteria 2017. Collection method: clinical testing. Allele origin: unknown.

Illumina Laboratory Services, Illumina
Classification: Benign for Severe X-linked mitochondrial encephalomyopathy. Last evaluated: 2018-01-12. Review status: criteria provided, single submitter. Criteria: ICSL Variant Classification Criteria 13 December 2019. Collection method: clinical testing. Allele origin: germline.
Comment: This variant was observed in the ICSL laboratory as part of a predisposition screen in an ostensibly healthy population. It had not been previously curated by ICSL or reported in the Human Gene Mutation Database (HGMD: prior to June 1st, 2018), and was therefore a candidate for classification through an automated scoring system. Utilizing variant allele frequency, disease prevalence and penetrance estimates, and inheritance mode, an automated score was calculated to assess if this variant is too frequent to cause the disease. Based on the score and internal cut-off values, a variant classified as benign is not then subjected to further curation. The score for this variant resulted in a classification of benign for this disease.

GeneDx
Classification: Benign. Last evaluated: 2015-03-03. Review status: criteria provided, single submitter. Criteria: GeneDx Variant Classification Process June 2021. Collection method: clinical testing. Allele origin: germline. Affected: yes.

Breakthrough Genomics
Classification: Benign. Review status: criteria provided, single submitter. Criteria: ACMG Guidelines, 2015. Collection method: not provided. Allele origin: germline. Inheritance: X-linked inheritance. Affected: yes.

Molecular Genetics Laboratory, London Health Sciences Centre
Classification: Benign for Charcot-Marie-Tooth disease. Review status: criteria provided, single submitter. Criteria: ACMG Guidelines, 2015. Collection method: clinical testing. Allele origin: germline. Affected: yes.

Mayo Clinic Laboratories, Mayo Clinic
Classification: Benign. Last evaluated: 2016-02-19. Review status: no assertion criteria provided. Collection method: clinical testing. Allele origin: unknown. Not counted in ClinVar's aggregate classification.

NM_004208.4(AIFM1):c.273T>C (p.Asp91=)

Genes: AIFM1 (apoptosis inducing factor mitochondria associated 1; minus strand), RAB33A (RAB33A, member RAS oncogene family; plus strand). Cytogenetic location: Xq26.1.
Variant type: single nucleotide variant.
Coding change: c.273T>C on transcript NM_004208.4 (MANE Select); coding-DNA position 273, T replaced by C.
Protein change: p.Asp91=; no amino-acid change (aspartic acid 91 retained).
Molecular consequence: synonymous variant. On other transcripts: non-coding transcript variant (1).
Genome position (GRCh38, 1-based): chrX:130,149,545, A>G on the plus strand (T>C on the coding strand, the complement: AIFM1 is on the minus strand). VCF-style: chrX-130149545-A-G. GRCh37 (hg19) VCF-style: chrX-129283520-A-G.
Other names: c.273T>C, p.Asp91= (NM_001130847.4); c.261T>C, p.Asp87= (NM_145812.3).
Identifiers: ClinVar variation 367892 (VCV000367892.25), dbSNP rs1139851, ClinGen allele CA10515478.